The following is an entry in ClinVar:

ClinVar aggregate classification (germline): Uncertain significance (1 of 4 stars; one submission).

Submission:

Labcorp Genetics (formerly Invitae), Labcorp
Classification: Uncertain significance. Last evaluated: 2022-09-06. Review status: criteria provided, single submitter. Criteria: Invitae Variant Classification Sherloc (09022015). Collection method: clinical testing. Allele origin: germline.
Comment: This sequence change replaces alanine, which is neutral and non-polar, with proline, which is neutral and non-polar, at codon 6 of the ARMC9 protein (p.Ala6Pro). This variant is not present in population databases (gnomAD no frequency). In summary, the available evidence is currently insufficient to determine the role of this variant in disease. Therefore, it has been classified as a Variant of Uncertain Significance. Experimental studies and prediction algorithms are not available or were not evaluated, and the functional significance of this variant is currently unknown. This variant has not been reported in the literature in individuals affected with ARMC9-related conditions.

NM_001352754.2(ARMC9):c.16G>C (p.Ala6Pro)

Gene: ARMC9 (armadillo repeat containing 9; plus strand). Cytogenetic location: 2q37.1.
Variant type: single nucleotide variant.
Coding change: c.16G>C on transcript NM_001352754.2 (MANE Select); coding-DNA position 16, G replaced by C.
Protein change: p.Ala6Pro; replaces alanine 6 with proline.
Molecular consequence: missense variant. On other transcripts: non-coding transcript variant (1).
Genome position (GRCh38, 1-based): chr2:231,206,254, G>C. VCF-style: chr2-231206254-G-C. GRCh37 (hg19) VCF-style: chr2-232070967-G-C.
Other names: c.16G>C, p.Ala6Pro (NM_001271466.4, NM_001291656.2, NM_001352755.2 and 5 more transcripts); short protein forms A6P.
Identifiers: ClinVar variation 2105406 (VCV002105406.4), dbSNP rs2469577572, ClinGen allele CA350943785.
Genomic context (GRCh38, chr2:231,206,254, plus strand): 5'-CTAGAGATTTTTGCTGTGAGAATTAATTACCAGTAACAGTTCAATATGGGGGACATTCTG[G>C]CTCATGAATCTGAATTACTTGGACTAGTGAAAGAGGTAGGTATATTATACAAAGCAGAGG-3'
Protein context (NP_001339683.2, residues 1-16): MGDIL[Ala6Pro]HESELLGLVK